The following is an entry in ClinVar:

NM_024079.5(ALG8):c.96-6G>C

Gene: ALG8 (ALG8 alpha-1,3-glucosyltransferase; minus strand). Cytogenetic location: 11q14.1.
Variant type: single nucleotide variant.
Coding change: c.96-6G>C on transcript NM_024079.5 (MANE Select); 6 bases into the intron before coding-DNA position 96, G replaced by C.
Molecular consequence: intron variant.
Genome position (GRCh38, 1-based): chr11:78,127,442, C>G on the plus strand (G>C on the coding strand, the complement: ALG8 is on the minus strand). VCF-style: chr11-78127442-C-G. GRCh37 (hg19) VCF-style: chr11-77838488-C-G.
Other names: p.?; c.96-6G>C (NM_001007027.3).
Identifiers: ClinVar variation 218479 (VCV000218479.42), dbSNP rs199911532, ClinGen allele CA249119.

ClinVar aggregate classification (germline): Conflicting classifications of pathogenicity. Review status: criteria provided, conflicting classifications (1 of 4 stars). 5 submissions from 5 submitters: Uncertain significance (1); Benign (1); Likely benign (3). Last evaluated 2026-05-01.

Conditions:
ALG8 congenital disorder of glycosylation. Also called: ALG8-CDG; CONGENITAL DISORDER OF GLYCOSYLATION, TYPE Ih; CDG Ih. Identifiers: Orphanet 79325, MedGen C2931002, MONDO:0011969, OMIM 608104.

Allele frequency attached by ClinVar (database versions not stated): 1000 Genomes Project 30x 0.00047; 1000 Genomes Project 0.00060; ESP Exome Variant Server 0.00100; TOPMed 0.00115; ExAC 0.00151; gnomAD exomes 0.00160.

Submissions (14):

CeGaT Center for Human Genetics Tuebingen
Classification: Likely benign. Last evaluated: 2026-05-01. Review status: criteria provided, single submitter. Criteria: CeGaT Center For Human Genetics Tuebingen Variant Classification Criteria Version 2. Collection method: clinical testing. Allele origin: germline. Affected: yes. Observed: 6 variant alleles.
Comment: ALG8: PP3, BS2

Labcorp Genetics (formerly Invitae), Labcorp
Classification: Likely benign for ALG8 congenital disorder of glycosylation. Last evaluated: 2025-12-22. Review status: criteria provided, single submitter. Criteria: Invitae Variant Classification Sherloc (09022015). Collection method: clinical testing. Allele origin: germline.

Mayo Clinic Laboratories, Mayo Clinic
Classification: Benign. Last evaluated: 2023-12-05. Review status: criteria provided, single submitter. Criteria: ACMG Guidelines, 2015. Collection method: clinical testing. Allele origin: germline. Observed: 3 variant alleles.
Comment: BS1, BS2

Illumina Laboratory Services, Illumina
Classification: Uncertain significance for ALG8 congenital disorder of glycosylation. Last evaluated: 2018-01-13. Review status: criteria provided, single submitter. Criteria: ICSL Variant Classification Criteria 13 December 2019. Collection method: clinical testing. Allele origin: germline.

Genomic Diagnostic Laboratory, Division of Genomic Diagnostics, Children's Hospital of Philadelphia
Classification: Likely benign. Last evaluated: 2015-05-11. Review status: criteria provided, single submitter. Criteria: DGD Variant Analysis Guidelines. Collection method: clinical testing. Allele origin: unknown.

Dr. Peter K. Rogan Lab, Western University
No classification provided (evidence only). Condition: Clear cell carcinoma of kidney. Review status: no classification provided. Collection method: in vitro. Allele origin: not applicable. Functional consequence: cryptic splice site. Not counted in ClinVar's aggregate classification.

Dr. Peter K. Rogan Lab, Western University
No classification provided (evidence only). Condition: Clear cell carcinoma of kidney. Review status: no classification provided. Collection method: in vitro. Allele origin: not applicable. Functional consequence: cryptic splice site. Not counted in ClinVar's aggregate classification.

Dr. Peter K. Rogan Lab, Western University
No classification provided (evidence only). Condition: Familial cancer of breast. Review status: no classification provided. Collection method: in vitro. Allele origin: not applicable. Functional consequence: cryptic splice site, retained intron. Not counted in ClinVar's aggregate classification.

Dr. Peter K. Rogan Lab, Western University
No classification provided (evidence only). Condition: Familial cancer of breast. Review status: no classification provided. Collection method: in vitro. Allele origin: not applicable. Functional consequence: cryptic splice site, retained intron. Not counted in ClinVar's aggregate classification.

Dr. Peter K. Rogan Lab, Western University
No classification provided (evidence only). Condition: Acute myeloid leukemia. Review status: no classification provided. Collection method: in vitro. Allele origin: not applicable. Functional consequence: retained intron. Not counted in ClinVar's aggregate classification.

Dr. Peter K. Rogan Lab, Western University
No classification provided (evidence only). Condition: Uterine corpus endometrial carcinoma. Review status: no classification provided. Collection method: in vitro. Allele origin: not applicable. Functional consequence: cryptic splice site, retained intron. Not counted in ClinVar's aggregate classification.

Dr. Peter K. Rogan Lab, Western University
No classification provided (evidence only). Condition: Cervical cancer. Review status: no classification provided. Collection method: in vitro. Allele origin: not applicable. Functional consequence: cryptic splice site. Not counted in ClinVar's aggregate classification.

Dr. Peter K. Rogan Lab, Western University
No classification provided (evidence only). Condition: Sarcoma. Review status: no classification provided. Collection method: in vitro. Allele origin: not applicable. Functional consequence: cryptic splice site. Not counted in ClinVar's aggregate classification.

Dr. Peter K. Rogan Lab, Western University
No classification provided (evidence only). Condition: Uterine carcinosarcoma. Review status: no classification provided. Collection method: in vitro. Allele origin: not applicable. Functional consequence: cryptic splice site. Not counted in ClinVar's aggregate classification.